The following is an entry in ClinVar:

NM_000268.4(NF2):c.731A>G (p.Tyr244Cys)

Gene: NF2 (NF2, moesin-ezrin-radixin like (MERLIN) tumor suppressor; plus strand). Cytogenetic location: 22q12.2.
Variant type: single nucleotide variant.
Coding change: c.731A>G on transcript NM_000268.4 (MANE Select); coding-DNA position 731, A replaced by G.
Protein change: p.Tyr244Cys; replaces tyrosine 244 with cysteine.
Molecular consequence: missense variant. On other transcripts: non-coding transcript variant (1), intron variant (1).
Genome position (GRCh38, 1-based): chr22:29,661,260, A>G. VCF-style: chr22-29661260-A-G. GRCh37 (hg19) VCF-style: chr22-30057249-A-G.
Other names: c.731A>G, p.Tyr244Cys (NM_016418.5, NM_181825.3, NM_181832.3); c.605A>G, p.Tyr202Cys (NM_181828.3); c.608A>G, p.Tyr203Cys (NM_181829.3); c.482A>G, p.Tyr161Cys (NM_181830.3, NM_181831.3); c.447+18975A>G (NM_181833.3); short protein forms Y161C, Y202C, Y203C, Y244C.
Identifiers: ClinVar variation 1010425 (VCV001010425.9), dbSNP rs2066468739, ClinGen allele CA411143844.

ClinVar aggregate classification (germline): Uncertain significance (1 of 4 stars; one submission).

Conditions:
Neurofibromatosis, type 2 (SWNV). Also called: BILATERAL ACOUSTIC NEUROFIBROMATOSIS; SCHWANNOMATOSIS, VESTIBULAR; NF2-Related Schwannomatosis. Identifiers: Orphanet 637, MedGen C0027832, MONDO:0007039, OMIM 101000. Disease mechanism: loss of function.

Submission:

Labcorp Genetics (formerly Invitae), Labcorp
Classification: Uncertain significance for Neurofibromatosis, type 2. Last evaluated: 2020-08-19. Review status: criteria provided, single submitter. Criteria: Invitae Variant Classification Sherloc (09022015). Collection method: clinical testing. Allele origin: germline.
Comment: This sequence change replaces tyrosine with cysteine at codon 244 of the NF2 protein (p.Tyr244Cys). The tyrosine residue is highly conserved and there is a large physicochemical difference between tyrosine and cysteine. This variant is not present in population databases (ExAC no frequency). This variant has not been reported in the literature in individuals with NF2-related conditions. Algorithms developed to predict the effect of missense changes on protein structure and function (SIFT, PolyPhen-2, Align-GVGD) all suggest that this variant is likely to be disruptive, but these predictions have not been confirmed by published functional studies and their clinical significance is uncertain. In summary, the available evidence is currently insufficient to determine the role of this variant in disease. Therefore, it has been classified as a Variant of Uncertain Significance.